The following is an entry in ClinVar:

NM_001134831.2(AHI1):c.137C>G (p.Pro46Arg)

Gene: AHI1 (Abelson helper integration site 1; minus strand). Cytogenetic location: 6q23.3.
Variant type: single nucleotide variant.
Coding change: c.137C>G on transcript NM_001134831.2 (MANE Select); coding-DNA position 137, C replaced by G.
Protein change: p.Pro46Arg; replaces proline 46 with arginine.
Molecular consequence: missense variant.
Genome position (GRCh38, 1-based): chr6:135,467,633, G>C on the plus strand (C>G on the coding strand, the complement: AHI1 is on the minus strand). VCF-style: chr6-135467633-G-C. GRCh37 (hg19) VCF-style: chr6-135788771-G-C.
Other names: c.137C>G, p.Pro46Arg (NM_001134830.2, NM_001134832.2, NM_001350503.2 and 2 more transcripts); short protein forms P46R.
Identifiers: ClinVar variation 841390 (VCV000841390.12), dbSNP rs1210811690, ClinGen allele CA365753758.

ClinVar aggregate classification (germline): Uncertain significance (1 of 4 stars; one submission).

Conditions:
Joubert syndrome. Also called: CEREBELLOPARENCHYMAL DISORDER IV; JOUBERT-BOLTSHAUSER SYNDROME; Familial aplasia of the vermis. Identifiers: Orphanet 475, MedGen C5979921, MONDO:0018772.

Allele frequency attached by ClinVar (database versions not stated): gnomAD exomes below 0.00001.
gnomAD v4.1: 1 of 1,599,370 alleles (0.000063%); highest among the groups gnomAD compares: Non-Finnish European, 0.000085%; no homozygotes.

Submission:

Labcorp Genetics (formerly Invitae), Labcorp
Classification: Uncertain significance for Joubert syndrome. Last evaluated: 2019-12-13. Review status: criteria provided, single submitter. Criteria: Invitae Variant Classification Sherloc (09022015). Collection method: clinical testing. Allele origin: germline.
Comment: This sequence change replaces proline with arginine at codon 46 of the AHI1 protein (p.Pro46Arg). The proline residue is weakly conserved and there is a moderate physicochemical difference between proline and arginine. This variant is not present in population databases (ExAC no frequency). This variant has not been reported in the literature in individuals with AHI1-related conditions. Algorithms developed to predict the effect of missense changes on protein structure and function are either unavailable or do not agree on the potential impact of this missense change (SIFT: "Deleterious"; PolyPhen-2: "Benign"; Align-GVGD: "Class C0"). In summary, the available evidence is currently insufficient to determine the role of this variant in disease. Therefore, it has been classified as a Variant of Uncertain Significance.